The following is an entry in ClinVar:

NM_004006.3(DMD):c.276_277delinsAG (p.Asn93Asp)

Gene: DMD (dystrophin; minus strand). Cytogenetic location: Xp21.1.
Variant type: Indel.
Coding change: c.276_277delinsAG on transcript NM_004006.3 (MANE Select); coding-DNA positions 276 to 277, GA replaced by AG.
Protein change: p.Asn93Asp; replaces asparagine 93 with aspartic acid.
Molecular consequence: missense variant. On other transcripts: 5 prime UTR variant (1).
Genome position (GRCh38, 1-based): chrX:32,823,375-32,823,376, TC replaced by CT on the plus strand (GA replaced by AG on the coding strand, the reverse complement: DMD is on the minus strand). VCF-style: chrX-32823375-TC-CT. GRCh37 (hg19) VCF-style: chrX-32841492-TC-CT.
Other names: c.252_253delinsAG, p.Asn85Asp (NM_000109.4); c.264_265delinsAG, p.Asn89Asp (NM_004009.3); c.-94_-93delinsAG (NM_004010.3); short protein forms N85D, N89D, N93D.
Identifiers: ClinVar variation 1052186 (VCV001052186.7), dbSNP rs2148850616, ClinGen allele CA2499226666.
Genomic context (GRCh38, chrX:32,823,375, plus strand): 5'-TCCAAATCAAACCAAGAGTCAGTTTATGATTTCCATCTACGATGTCAGTACTTCCAATAT[TC>CT]ACTAAATCAACCTGTTAAAGAAAGGGGTAAAACATTTGAAGGTAAGAGACCAAATGCCTA-3'
Protein context (NP_003997.2, residues 83-103): VLQNNNVDLV[Asn93Asp]IGSTDIVDGN

ClinVar aggregate classification (germline): Uncertain significance (1 of 4 stars; one submission).

Conditions:
Duchenne muscular dystrophy (DMD). Also called: MUSCULAR DYSTROPHY, PSEUDOHYPERTROPHIC PROGRESSIVE, DUCHENNE TYPE; Duchenne Muscular Dystrophy (DMD). Identifiers: Orphanet 98896, MedGen C0013264, MONDO:0010679, OMIM 310200.

Submission:

Labcorp Genetics (formerly Invitae), Labcorp
Classification: Uncertain significance for Duchenne muscular dystrophy. Last evaluated: 2020-09-23. Review status: criteria provided, single submitter. Criteria: Invitae Variant Classification Sherloc (09022015). Collection method: clinical testing. Allele origin: germline.
Comment: This sequence change replaces asparagine with aspartic acid at codon 93 of the DMD protein (p.Asn93Asp). The asparagine residue is highly conserved and there is a small physicochemical difference between asparagine and aspartic acid. The frequency data for this variant in the population databases is not available, as this variant may be reported as separate entries in the ExAC database. In summary, the available evidence is currently insufficient to determine the role of this variant in disease. Therefore, it has been classified as a Variant of Uncertain Significance. Experimental studies and prediction algorithms are not available or were not evaluated, and the functional significance of this variant is currently unknown. This variant has not been reported in the literature in individuals with DMD-related conditions.